The following is an entry in ClinVar:

NM_004629.2(FANCG):c.1345C>G (p.Pro449Ala)

Gene: FANCG (FA complementation group G; minus strand). Cytogenetic location: 9p13.3.
Variant type: single nucleotide variant.
Coding change: c.1345C>G on transcript NM_004629.2 (MANE Select); coding-DNA position 1345, C replaced by G.
Protein change: p.Pro449Ala; replaces proline 449 with alanine.
Molecular consequence: missense variant.
Genome position (GRCh38, 1-based): chr9:35,075,553, G>C on the plus strand (C>G on the coding strand, the complement: FANCG is on the minus strand). VCF-style: chr9-35075553-G-C. GRCh37 (hg19) VCF-style: chr9-35075550-G-C.
Other names: short protein forms P449A.
Identifiers: ClinVar variation 4841396 (VCV004841396.1).

ClinVar aggregate classification (germline): Uncertain significance (1 of 4 stars; one submission).

Conditions:
Inborn genetic diseases. Identifiers: MedGen C0950123, MeSH D030342.

Submission:

Ambry Genetics
Classification: Uncertain significance for Inborn genetic diseases. Last evaluated: 2025-12-15. Review status: criteria provided, single submitter. Criteria: Ambry Variant Classification Scheme 2023. Collection method: clinical testing. Allele origin: germline.
Comment: The p.P449A variant (also known as c.1345C>G), located in coding exon 10 of the FANCG gene, results from a C to G substitution at nucleotide position 1345. The proline at codon 449 is replaced by alanine, an amino acid with highly similar properties. This amino acid position is conserved. In addition, this alteration is predicted to be tolerated by in silico analysis. Based on the available evidence, the clinical significance of this variant remains unclear.